The following is an entry in ClinVar:

NM_001111.5(ADAR):c.2597G>A (p.Arg866His)

Genes: ADAR (adenosine deaminase RNA specific; minus strand), LOC126805874 (CDK7 strongly-dependent group 2 enhancer GRCh37_chr1:154561176-154562375; plus strand). Cytogenetic location: 1q21.3.
Variant type: single nucleotide variant.
Coding change: c.2597G>A on transcript NM_001111.5 (MANE Select); coding-DNA position 2597, G replaced by A.
Protein change: p.Arg866His; replaces arginine 866 with histidine.
Molecular consequence: missense variant.
Genome position (GRCh38, 1-based): chr1:154,589,828, C>T on the plus strand (G>A on the coding strand, the complement: ADAR is on the minus strand). VCF-style: chr1-154589828-C-T. GRCh37 (hg19) VCF-style: chr1-154562304-C-T.
Other names: c.1712G>A, p.Arg571His (NM_001025107.3, NM_001193495.2, NM_001365046.1 and 2 more transcripts); c.2624G>A, p.Arg875His (NM_001365045.1); c.1634G>A, p.Arg545His (NM_001365049.1); c.2519G>A, p.Arg840His (NM_015840.4); c.2462G>A, p.Arg821His (NM_015841.4); short protein forms R545H, R821H, R875H, R571H, R840H, R866H.
Identifiers: ClinVar variation 1398696 (VCV001398696.9), dbSNP rs770937947, ClinGen allele CA1131220.

ClinVar aggregate classification (germline): Conflicting classifications of pathogenicity. Review status: criteria provided, conflicting classifications (1 of 4 stars). 2 submissions from 2 submitters: Likely pathogenic (1); Uncertain significance (1). Last evaluated 2026-05-05.

Conditions:
Aicardi-Goutieres syndrome 6 (AGS6). Identifiers: Orphanet 51, MedGen C3539013, MONDO:0014007, OMIM 615010.
Symmetrical dyschromatosis of extremities (DSH). Also called: DYSCHROMATOSIS SYMMETRICA HEREDITARIA 1; RETICULATE ACROPIGMENTATION OF DOHI; SYMMETRIC DYSCHROMATOSIS OF THE EXTREMITIES; Dyschromatosis symmetrica hereditaria. Identifiers: Orphanet 41, MedGen C0406775, MONDO:0007483, OMIM 127400.

Allele frequency attached by ClinVar (database versions not stated): gnomAD exomes below 0.00001; ExAC 0.00001.
gnomAD v4.1: 3 of 1,613,904 alleles (0.00019%); highest among the groups gnomAD compares: Non-Finnish European, 0.00025%; no homozygotes.

Submissions (2):

GLIA-CTN Genomics Core
Classification: Likely pathogenic for Aicardi-Goutieres syndrome 6. Last evaluated: 2026-05-05. Review status: criteria provided, single submitter. Criteria: ACMG Guidelines, 2015. Collection method: clinical testing. Allele origin: germline. Inheritance: Autosomal recessive inheritance. Affected: yes. Observed: 1 variant allele, 1 compound heterozygote.
Comment: The NM_001111.5 c.2597G>A variant in ADAR is a missense variant predicted to cause substitution of Arginine by Histidine at amino acid 866 (p.Arg866His). The variant occurs in the deaminase domain in a highly conserved residue (PM1). In summary, this variant meets the criteria to be classified as Likely Pathogenic based on the ACMG/AMP criteria applied: PM1, PM3, PP4_Moderate.

Labcorp Genetics (formerly Invitae), Labcorp
Classification: Uncertain significance for Aicardi-Goutieres syndrome 6; Symmetrical dyschromatosis of extremities. Last evaluated: 2021-07-02. Review status: criteria provided, single submitter. Criteria: Invitae Variant Classification Sherloc (09022015). Collection method: clinical testing. Allele origin: germline.
Comment: Algorithms developed to predict the effect of missense changes on protein structure and function are either unavailable or do not agree on the potential impact of this missense change (SIFT: "Deleterious"; PolyPhen-2: "Probably Damaging"; Align-GVGD: "Class C0"). In summary, the available evidence is currently insufficient to determine the role of this variant in disease. Therefore, it has been classified as a Variant of Uncertain Significance. This variant has not been reported in the literature in individuals with ADAR-related conditions. This sequence change replaces arginine with histidine at codon 866 of the ADAR protein (p.Arg866His). The arginine residue is highly conserved and there is a small physicochemical difference between arginine and histidine. This variant is present in population databases (rs770937947, ExAC 0.001%).